The following is an entry in ClinVar:

ClinVar aggregate classification (germline): Benign. Review status: criteria provided, multiple submitters, no conflicts (2 of 4 stars). 11 submissions from 10 submitters: Benign (9). 2 of the submissions do not count toward it. Last evaluated 2026-02-04.

Conditions:
Joubert syndrome 24 (JBTS24). Identifiers: Orphanet 475, MedGen C4084841, MONDO:0014724, OMIM 616654.
Joubert syndrome. Also called: Familial aplasia of the vermis; JOUBERT-BOLTSHAUSER SYNDROME. Identifiers: Orphanet 475, MedGen C5979921, MONDO:0018772.
Meckel-Gruber syndrome. Also called: Dysencephalia splachnocystica; GRUBER SYNDROME; DYSENCEPHALIA SPLANCHNOCYSTICA. Identifiers: Orphanet 564, MedGen C0265215, MONDO:0018921.
Meckel syndrome, type 8. Identifiers: Orphanet 564, MedGen C3836857, MONDO:0013482, OMIM 613885.

Allele frequency attached by ClinVar (database versions not stated): 1000 Genomes Project 0.33606; 1000 Genomes Project 30x 0.34151; gnomAD exomes 0.34765 and 0.39079; ExAC 0.35772; gnomAD 0.41771 and 0.42667; TOPMed 0.42419; ESP Exome Variant Server 0.45048.
gnomAD v4.1: 628,663 of 1,599,370 alleles (39%); highest among the groups gnomAD compares: African/African-American, 56%; 129,930 homozygotes.

Submissions (11):

Labcorp Genetics (formerly Invitae), Labcorp
Classification: Benign for Joubert syndrome; Meckel-Gruber syndrome. Last evaluated: 2026-02-04. Review status: criteria provided, single submitter. Criteria: Invitae Variant Classification Sherloc (09022015). Collection method: clinical testing. Allele origin: germline.

Blueprint Genetics
Classification: Benign. Last evaluated: 2024-11-27. Review status: criteria provided, single submitter. Criteria: ACMG Guidelines, 2015. Collection method: clinical testing. Allele origin: germline.

Mayo Clinic Laboratories, Mayo Clinic
Classification: Benign. Last evaluated: 2022-03-09. Review status: criteria provided, single submitter. Criteria: ACMG Guidelines, 2015. Collection method: clinical testing. Allele origin: germline. Observed: 45 variant alleles.

Illumina Laboratory Services, Illumina
Classification: Benign for Joubert syndrome 24. Last evaluated: 2018-01-13. Review status: criteria provided, single submitter. Criteria: ICSL Variant Classification Criteria 13 December 2019. Collection method: clinical testing. Allele origin: germline.
Comment: This variant was observed in the ICSL laboratory as part of a predisposition screen in an ostensibly healthy population. It had not been previously curated by ICSL or reported in the Human Gene Mutation Database (HGMD: prior to June 1st, 2018), and was therefore a candidate for classification through an automated scoring system. Utilizing variant allele frequency, disease prevalence and penetrance estimates, and inheritance mode, an automated score was calculated to assess if this variant is too frequent to cause the disease. Based on the score and internal cut-off values, a variant classified as benign is not then subjected to further curation. The score for this variant resulted in a classification of benign for this disease.

Illumina Laboratory Services, Illumina
Classification: Benign for Meckel syndrome, type 8. Last evaluated: 2018-01-13. Review status: criteria provided, single submitter. Criteria: ICSL Variant Classification Criteria 13 December 2019. Collection method: clinical testing. Allele origin: germline.
Comment: the same text as in the submission from Illumina Laboratory Services, Illumina above.

GeneDx
Classification: Benign. Last evaluated: 2016-01-11. Review status: criteria provided, single submitter. Criteria: GeneDx Variant Classification (06012015). Collection method: clinical testing. Allele origin: germline. Affected: yes.
Comment: This variant is considered likely benign or benign based on one or more of the following criteria: it is a conservative change, it occurs at a poorly conserved position in the protein, it is predicted to be benign by multiple in silico algorithms, and/or has population frequency not consistent with disease.

Clinical Genetics DNA and cytogenetics Diagnostics Lab, Erasmus MC, Erasmus Medical Center
Classification: Benign for Meckel syndrome, type 8. Last evaluated: 2015-09-21. Review status: criteria provided, single submitter. Criteria: ACGS Guidelines, 2013. Collection method: clinical testing. Allele origin: germline. Affected: yes. Study: VKGL Data-share Consensus.

Breakthrough Genomics
Classification: Benign. Review status: criteria provided, single submitter. Criteria: ACMG Guidelines, 2015. Collection method: not provided. Allele origin: germline. Inheritance: Autosomal recessive inheritance. Affected: yes.

PreventionGenetics, part of Exact Sciences
Classification: Benign. Review status: criteria provided, single submitter. Criteria: ACMG Guidelines, 2015. Collection method: clinical testing. Allele origin: germline.

Diagnostic Laboratory, Department of Genetics, University Medical Center Groningen
Classification: Benign for Meckel syndrome, type 8. Review status: no assertion criteria provided. Collection method: clinical testing. Allele origin: germline. Affected: yes. Study: VKGL Data-share Consensus. Not counted in ClinVar's aggregate classification.

Genetic Services Laboratory, University of Chicago
Classification: Likely benign for AllHighlyPenetrant. Review status: no assertion criteria provided. Collection method: clinical testing. Allele origin: germline. Inheritance: Autosomal recessive inheritance. Observed: 115 variant alleles. Not counted in ClinVar's aggregate classification.
Comment: Likely benign based on allele frequency in 1000 Genomes Project or ESP global frequency and its presence in a patient with a rare or unrelated disease phenotype. NOT Sanger confirmed.

NM_024809.5(TCTN2):c.891+7G>A

Gene: TCTN2 (tectonic family member 2; plus strand). Cytogenetic location: 12q24.31.
Variant type: single nucleotide variant.
Coding change: c.891+7G>A on transcript NM_024809.5 (MANE Select); 7 bases into the intron after coding-DNA position 891, G replaced by A.
Molecular consequence: intron variant.
Genome position (GRCh38, 1-based): chr12:123,688,184, G>A. VCF-style: chr12-123688184-G-A. GRCh37 (hg19) VCF-style: chr12-124172731-G-A.
Other names: p.?; c.888+7G>A (NM_001143850.3).
Identifiers: ClinVar variation 126294 (VCV000126294.25), dbSNP rs7313032, ClinGen allele CA150973.